The following is an entry in ClinVar:

ClinVar aggregate classification (germline): Likely pathogenic (1 of 4 stars; one submission).

Conditions:
Neurofibromatosis, type 1 (NF1). Also called: Peripheral type neurofibromatosis; Neurofibromatosis, type I; VON RECKLINGHAUSEN DISEASE; NEUROFIBROMATOSIS, TYPE I, SOMATIC. Identifiers: Orphanet 636, MedGen C0027831, MONDO:0018975, OMIM 162200. Disease mechanism: loss of function.

Submission:

Institute of Human Genetics, University of Leipzig Medical Center
Classification: Likely pathogenic for Neurofibromatosis, type 1. Last evaluated: 2023-03-07. Review status: criteria provided, single submitter. Criteria: ACMG Guidelines, 2015. Collection method: clinical testing. Allele origin: unknown. Affected: yes.
Comment: _x000D_ Criteria applied: PVS1, PM2_SUP

NM_001042492.3(NF1):c.2066del (p.Val689fs)

Gene: NF1 (neurofibromin 1; plus strand). Cytogenetic location: 17q11.2.
Variant type: Deletion.
Coding change: c.2066del on transcript NM_001042492.3 (MANE Select); coding-DNA position 2066, one base deleted (T; older notation c.2066delT).
Protein change: p.Val689fs; shifts the reading frame from valine 689.
Molecular consequence: frameshift variant.
Genome position (GRCh38, 1-based): chr17:31,226,499, T deleted. VCF-style (leftmost placement, unchanged base first): chr17-31226498-GT-G. GRCh37 (hg19) VCF-style: chr17-29553516-GT-G.
Other names: c.2066delT, p.Val689Glyfs (NM_000267.4); short protein forms V689fs.
Identifiers: ClinVar variation 2500354 (VCV002500354.1), dbSNP rs2508155393, ClinGen allele CA2580093140.